The following is an entry in ClinVar:

ClinVar aggregate classification (germline): Uncertain significance (1 of 4 stars; one submission).

gnomAD v4.1: 3 of 1,613,964 alleles (0.00019%); highest among the groups gnomAD compares: Middle Eastern, 0.017%; no homozygotes.

Submission:

Ambry Genetics
Classification: Uncertain significance. Last evaluated: 2024-09-17. Review status: criteria provided, single submitter. Criteria: Ambry Variant Classification Scheme 2023. Collection method: clinical testing. Allele origin: germline.
Comment: The p.I738T variant (also known as c.2213T>C), located in coding exon 15 of the MYOM1 gene, results from a T to C substitution at nucleotide position 2213. The isoleucine at codon 738 is replaced by threonine, an amino acid with similar properties. This amino acid position is conserved. In addition, the in silico prediction for this alteration is inconclusive. Based on the available evidence, the clinical significance of this variant remains unclear.

NM_003803.4(MYOM1):c.2213T>C (p.Ile738Thr)

Gene: MYOM1 (myomesin 1; minus strand). Cytogenetic location: 18p11.31.
Variant type: single nucleotide variant.
Coding change: c.2213T>C on transcript NM_003803.4 (MANE Select); coding-DNA position 2213, T replaced by C.
Protein change: p.Ile738Thr; replaces isoleucine 738 with threonine.
Molecular consequence: missense variant.
Genome position (GRCh38, 1-based): chr18:3,134,821, A>G on the plus strand (T>C on the coding strand, the complement: MYOM1 is on the minus strand). VCF-style: chr18-3134821-A-G. GRCh37 (hg19) VCF-style: chr18-3134819-A-G.
Other names: c.2213T>C, p.Ile738Thr (NM_019856.2); short protein forms I738T.
Identifiers: ClinVar variation 3401853 (VCV003401853.1).
Genomic context (GRCh38, chr18:3,134,821, plus strand): 5'-GAAACTACCACTGAGGTGTCTGTGTTTCTGCTTGGGATGATTTTGCCAGGAGCCTTGGGG[A>G]TATCTGAGAAAGAGGAAAATGGTGATCAAACTCAAGTGGTTTTAAAAATTCATCCTTATC-3'
Protein context (NP_003794.3, residues 728-748): EVTVVGDKLD[Ile738Thr]PKAPGKIIPS